The following is an entry in ClinVar:

NM_001017995.3(SH3PXD2B):c.2096G>A (p.Ser699Asn)

Gene: SH3PXD2B (SH3 and PX domains 2B; minus strand). Cytogenetic location: 5q35.1.
Variant type: single nucleotide variant.
Coding change: c.2096G>A on transcript NM_001017995.3 (MANE Select); coding-DNA position 2096, G replaced by A.
Protein change: p.Ser699Asn; replaces serine 699 with asparagine.
Molecular consequence: missense variant. On other transcripts: intron variant (1).
Genome position (GRCh38, 1-based): chr5:172,339,009, C>T on the plus strand (G>A on the coding strand, the complement: SH3PXD2B is on the minus strand). VCF-style: chr5-172339009-C-T. GRCh37 (hg19) VCF-style: chr5-171766013-C-T.
Other names: c.1188+7127G>A (NM_001308175.2); short protein forms S699N.
Identifiers: ClinVar variation 1409390 (VCV001409390.6), dbSNP rs747456932, ClinGen allele CA132183299.

ClinVar aggregate classification (germline): Uncertain significance (1 of 4 stars; one submission).

Allele frequency attached by ClinVar (database versions not stated): gnomAD 0.00001; gnomAD exomes 0.00001 and 0.00002.

Submission:

Labcorp Genetics (formerly Invitae), Labcorp
Classification: Uncertain significance. Last evaluated: 2022-09-01. Review status: criteria provided, single submitter. Criteria: Invitae Variant Classification Sherloc (09022015). Collection method: clinical testing. Allele origin: germline.
Comment: In summary, the available evidence is currently insufficient to determine the role of this variant in disease. Therefore, it has been classified as a Variant of Uncertain Significance. Algorithms developed to predict the effect of missense changes on protein structure and function output the following: SIFT: "Deleterious"; PolyPhen-2: "Benign"; Align-GVGD: "Class C0". The asparagine amino acid residue is found in multiple mammalian species, which suggests that this missense change does not adversely affect protein function. ClinVar contains an entry for this variant (Variation ID: 1409390). This variant has not been reported in the literature in individuals affected with SH3PXD2B-related conditions. This variant is present in population databases (rs747456932, gnomAD 0.002%). This sequence change replaces serine, which is neutral and polar, with asparagine, which is neutral and polar, at codon 699 of the SH3PXD2B protein (p.Ser699Asn).